The following is an entry in ClinVar:

ClinVar aggregate classification (germline): Pathogenic (1 of 4 stars; one submission).

Conditions:
Hereditary cancer-predisposing syndrome. Also called: Neoplastic Syndromes, Hereditary; Tumor predisposition; Hereditary Cancer Syndrome; Hereditary neoplastic syndrome. Identifiers: Orphanet 140162, MedGen C0027672, MeSH D009386, MONDO:0015356.

Submission:

Ambry Genetics
Classification: Pathogenic for Hereditary cancer-predisposing syndrome. Last evaluated: 2026-04-27. Review status: criteria provided, single submitter. Criteria: Ambry Variant Classification Scheme 2023. Collection method: clinical testing. Allele origin: germline.
Comment: The c.266_267delTT pathogenic mutation, located in coding exon 3 of the SDHAF2 gene, results from a deletion of two nucleotides at nucleotide positions 266 to 267, causing a translational frameshift with a predicted alternate stop codon (p.F89Cfs*2). This variant is considered to be rare based on population cohorts in the Genome Aggregation Database (gnomAD). This alteration is expected to result in loss of function by premature protein truncation or nonsense-mediated mRNA decay. As such, this alteration is interpreted as a disease-causing mutation.

NM_017841.4(SDHAF2):c.266_267del (p.Phe89fs)

Gene: SDHAF2 (succinate dehydrogenase complex assembly factor 2; plus strand). Cytogenetic location: 11q12.2.
Variant type: Deletion.
Coding change: c.266_267del on transcript NM_017841.4 (MANE Select); coding-DNA positions 266 to 267, 2 bases deleted (TT; older notation c.266_267delTT).
Protein change: p.Phe89fs; shifts the reading frame from phenylalanine 89.
Molecular consequence: frameshift variant.
Genome position (GRCh38, 1-based): chr11:61,438,009-61,438,010, TT deleted; deleting any 2 consecutive bases within chr11:61,438,006-61,438,010 gives the same sequence; the c. name uses the placement nearest the transcript's 3' end. VCF-style (leftmost placement, unchanged base first): chr11-61438005-CTT-C. GRCh37 (hg19) VCF-style: chr11-61205477-CTT-C.
Other names: short protein forms F89fs.
Identifiers: ClinVar variation 4864243 (VCV004864243.1).